The following is an entry in ClinVar:

ClinVar aggregate classification (germline): Uncertain significance (1 of 4 stars; one submission).

Conditions:
Intellectual developmental disorder, X-linked, syndromic, Pilorge type. Identifiers: MedGen C5676881, MONDO:0024772, OMIM 301076.

Submission:

3billion
Classification: Uncertain significance for Intellectual developmental disorder, X-linked, syndromic, Pilorge type. Last evaluated: 2024-07-24. Review status: criteria provided, single submitter. Criteria: ACMG Guidelines, 2015. Collection method: clinical testing. Allele origin: germline. Affected: yes.
Comment: The variant is not observed in the gnomAD v4.0.0 dataset. Predicted Consequence/Location: Intron variant In silico tools predict the variant to alter splicing and produce an abnormal transcript [SpliceAI: 0.27 (>=0.2, moderate evidence for spliceogenicity)]. Therefore, this variant is classified as VUS according to the recommendation of ACMG/AMP guideline.

NM_002063.4(GLRA2):c.270+143T>G

Gene: GLRA2 (glycine receptor alpha 2; plus strand). Cytogenetic location: Xp22.2.
Variant type: single nucleotide variant.
Coding change: c.270+143T>G on transcript NM_002063.4 (MANE Select); 143 bases into the intron after coding-DNA position 270, T replaced by G.
Molecular consequence: intron variant. On other transcripts: missense variant (1).
Genome position (GRCh38, 1-based): chrX:14,574,543, T>G. VCF-style: chrX-14574543-T-G. GRCh37 (hg19) VCF-style: chrX-14592665-T-G.
Other names: c.254T>G, p.Ile85Arg (NM_001118886.2); c.3+143T>G (NM_001171942.2); c.270+143T>G (NM_001118885.2); short protein forms I85R.
Identifiers: ClinVar variation 4072301 (VCV004072301.1).